The following is an entry in ClinVar:

NM_000393.5(COL5A2):c.2562C>A (p.Asp854Glu)

Gene: COL5A2 (collagen type V alpha 2 chain; minus strand). Cytogenetic location: 2q32.2.
Variant type: single nucleotide variant.
Coding change: c.2562C>A on transcript NM_000393.5 (MANE Select); coding-DNA position 2562, C replaced by A.
Protein change: p.Asp854Glu; replaces aspartic acid 854 with glutamic acid.
Molecular consequence: missense variant.
Genome position (GRCh38, 1-based): chr2:189,053,010, G>T on the plus strand (C>A on the coding strand, the complement: COL5A2 is on the minus strand). VCF-style: chr2-189053010-G-T. GRCh37 (hg19) VCF-style: chr2-189917736-G-T.
Other names: p.Tyr26Ter; short protein forms D854E.
Identifiers: ClinVar variation 459739 (VCV000459739.14), dbSNP rs148430780, ClinGen allele CA349871396.
Genomic context (GRCh38, chr2:189,053,010, plus strand): 5'-AGAACCAGCATCTCCCTTCTGTCCTGGCTCTCCAGGTTCACCTTTTACTCCAGGCTGTCC[G>T]TCAGGACCCTATAAAAAATTATACAAACAAGCAATTGATTATAAGACTTATAGACAAATT-3'
Protein context (NP_000384.2, residues 844-864): AVGFAGPQGP[Asp854Glu]GQPGVKGEPG

ClinVar aggregate classification (germline): Conflicting classifications of pathogenicity. Review status: criteria provided, conflicting classifications (1 of 4 stars). 3 submissions from 3 submitters: Likely pathogenic (1); Uncertain significance (2). Last evaluated 2025-04-11.

Conditions:
Ehlers-Danlos syndrome, classic type, 1 (EDSCL1). Also called: EHLERS-DANLOS SYNDROME, GRAVIS TYPE; EHLERS-DANLOS SYNDROME, SEVERE CLASSIC TYPE; EDS I; Ehlers-Danlos Syndrome, Classic Type, COL5A1-Related; Ehlers-Danlos syndrome, type 1. Identifiers: MedGen C0268335, MONDO:0019567, OMIM 130000.
Ehlers-Danlos syndrome, classic type, 2 (EDSCL2). Also called: Ehlers-Danlos syndrome type 2 (formerly); Ehlers-Danlos Syndrome, Classic Type, COL5A2-Related; Ehlers-Danlos syndrome, type 2. Identifiers: Orphanet 287, Orphanet 90318, MedGen C0268336, MONDO:0019568, OMIM 130010.

gnomAD v4.1: 2 of 1,612,642 alleles (0.00012%); highest among the groups gnomAD compares: Non-Finnish European, 0.00017%; no homozygotes.

Submissions (3):

Labcorp Genetics (formerly Invitae), Labcorp
Classification: Uncertain significance for Ehlers-Danlos syndrome, classic type, 1. Last evaluated: 2025-04-11. Review status: criteria provided, single submitter. Criteria: Invitae Variant Classification Sherloc (09022015). Collection method: clinical testing. Allele origin: germline.
Comment: This sequence change replaces aspartic acid, which is acidic and polar, with glutamic acid, which is acidic and polar, at codon 854 of the COL5A2 protein (p.Asp854Glu). This variant is not present in population databases (gnomAD no frequency). This missense change has been observed in individual(s) with clinical features of COL5A2-related conditions (internal data). ClinVar contains an entry for this variant (Variation ID: 459739). Invitae Evidence Modeling of protein sequence and biophysical properties (such as structural, functional, and spatial information, amino acid conservation, physicochemical variation, residue mobility, and thermodynamic stability) indicates that this missense variant is not expected to disrupt COL5A2 protein function with a negative predictive value of 80%. In summary, the available evidence is currently insufficient to determine the role of this variant in disease. Therefore, it has been classified as a Variant of Uncertain Significance.

Undiagnosed Diseases Network, NIH
Classification: Likely pathogenic for Ehlers-Danlos syndrome, classic type, 2. Last evaluated: 2024-07-03. Review status: criteria provided, single submitter. Criteria: ACMG Guidelines, 2015. Collection method: clinical testing. Allele origin: unknown. Affected: yes. Observed: 1 heterozygote. Study: Undiagnosed Diseases Network (NIH), UDN.

GeneDx
Classification: Uncertain significance. Last evaluated: 2024-03-18. Review status: criteria provided, single submitter. Criteria: GeneDx Variant Classification Process June 2021. Collection method: clinical testing. Allele origin: germline. Affected: yes.
Comment: Not observed at significant frequency in large population cohorts (gnomAD); In silico analysis supports that this missense variant does not alter protein structure/function; Has not been previously published as pathogenic or benign to our knowledge